The following is an entry in ClinVar:

ClinVar aggregate classification (germline): Uncertain significance (1 of 4 stars; one submission).

Submission:

Labcorp Genetics (formerly Invitae), Labcorp
Classification: Uncertain significance. Last evaluated: 2022-05-03. Review status: criteria provided, single submitter. Criteria: Invitae Variant Classification Sherloc (09022015). Collection method: clinical testing. Allele origin: germline.
Comment: This variant has not been reported in the literature in individuals affected with CAD-related conditions. Algorithms developed to predict the effect of missense changes on protein structure and function (SIFT, PolyPhen-2, Align-GVGD) all suggest that this variant is likely to be tolerated. In summary, the available evidence is currently insufficient to determine the role of this variant in disease. Therefore, it has been classified as a Variant of Uncertain Significance. This variant is not present in population databases (gnomAD no frequency). This sequence change replaces methionine, which is neutral and non-polar, with valine, which is neutral and non-polar, at codon 1601 of the CAD protein (p.Met1601Val).

NM_004341.5(CAD):c.4801A>G (p.Met1601Val)

Gene: CAD (carbamoyl-phosphate synthetase 2, aspartate transcarbamylase, and dihydroorotase; plus strand). Cytogenetic location: 2p23.3.
Variant type: single nucleotide variant.
Coding change: c.4801A>G on transcript NM_004341.5 (MANE Select); coding-DNA position 4801, A replaced by G.
Protein change: p.Met1601Val; replaces methionine 1601 with valine.
Molecular consequence: missense variant.
Genome position (GRCh38, 1-based): chr2:27,238,128, A>G. VCF-style: chr2-27238128-A-G. GRCh37 (hg19) VCF-style: chr2-27460996-A-G.
Other names: c.4612A>G, p.Met1538Val (NM_001306079.2); short protein forms M1538V, M1601V.
Identifiers: ClinVar variation 2119495 (VCV002119495.4), dbSNP rs769555859, ClinGen allele CA346221472.